The following is an entry in ClinVar:

NM_138780.3(SYTL5):c.1854T>A (p.Pro618=)

Gene: SYTL5 (synaptotagmin like 5; plus strand). Cytogenetic location: Xp11.4.
Variant type: single nucleotide variant.
Coding change: c.1854T>A on transcript NM_138780.3 (MANE Select); coding-DNA position 1854, T replaced by A.
Protein change: p.Pro618=; no amino-acid change (proline 618 retained).
Molecular consequence: synonymous variant.
Genome position (GRCh38, 1-based): chrX:38,125,310, T>A. VCF-style: chrX-38125310-T-A. GRCh37 (hg19) VCF-style: chrX-37984563-T-A.
Other names: c.1920T>A, p.Pro640= (NM_001163334.1); c.1854T>A, p.Pro618= (NM_001163335.2).
Identifiers: ClinVar variation 2660288 (VCV002660288.24), dbSNP rs1210925135, ClinGen allele CA515650563.

ClinVar aggregate classification (germline): Likely benign (1 of 4 stars; one submission).

Allele frequency attached by ClinVar (database versions not stated): gnomAD exomes below 0.00001; gnomAD 0.00001; TOPMed 0.00002.
gnomAD v4.1: 4 of 1,209,451 alleles (0.00033%); highest among the groups gnomAD compares: Non-Finnish European, 0.00045%; no homozygotes.

Submission:

CeGaT Center for Human Genetics Tuebingen
Classification: Likely benign. Last evaluated: 2022-07-01. Review status: criteria provided, single submitter. Criteria: CeGaT Center For Human Genetics Tuebingen Variant Classification Criteria Version 2. Collection method: clinical testing. Allele origin: germline. Affected: yes. Observed: 1 variant allele.
Comment: SYTL5: BP4, BP7